The following is an entry in ClinVar:

NM_001378328.1(CELSR1):c.4141C>A (p.Arg1381Ser)

Genes: CELSR1 (cadherin EGF LAG seven-pass G-type receptor 1; minus strand), LOC126863170 (CDK7 strongly-dependent group 2 enhancer GRCh37_chr22:46858535-46859734; plus strand). Cytogenetic location: 22q13.31.
Variant type: single nucleotide variant.
Coding change: c.4141C>A on transcript NM_001378328.1 (MANE Select); coding-DNA position 4141, C replaced by A.
Protein change: p.Arg1381Ser; replaces arginine 1381 with serine.
Molecular consequence: missense variant.
Genome position (GRCh38, 1-based): chr22:46,463,749, G>T on the plus strand (C>A on the coding strand, the complement: CELSR1 is on the minus strand). VCF-style: chr22-46463749-G-T. GRCh37 (hg19) VCF-style: chr22-46859646-G-T.
Other names: c.4141C>A, p.Arg1381Ser (NM_014246.4); short protein forms R1381S.
Identifiers: ClinVar variation 4527984 (VCV004527984.1).

ClinVar aggregate classification (germline): Uncertain significance (1 of 4 stars; one submission).

Submission:

GeneDx
Classification: Uncertain significance. Last evaluated: 2025-05-01. Review status: criteria provided, single submitter. Criteria: GeneDx Variant Classification Process June 2021. Collection method: clinical testing. Allele origin: germline. Affected: yes.
Comment: Not observed at significant frequency in large population cohorts (gnomAD); In silico analysis supports that this missense variant has a deleterious effect on protein structure/function; Has not been previously published as pathogenic or benign to our knowledge